The following is an entry in ClinVar:

NM_178452.6(DNAAF1):c.2080G>A (p.Ala694Thr)

Gene: DNAAF1 (dynein axonemal assembly factor 1; plus strand). Cytogenetic location: 16q24.1.
Variant type: single nucleotide variant.
Coding change: c.2080G>A on transcript NM_178452.6 (MANE Select); coding-DNA position 2080, G replaced by A.
Protein change: p.Ala694Thr; replaces alanine 694 with threonine.
Molecular consequence: missense variant.
Genome position (GRCh38, 1-based): chr16:84,177,743, G>A. VCF-style: chr16-84177743-G-A. GRCh37 (hg19) VCF-style: chr16-84211349-G-A.
Other names: c.1372G>A, p.Ala458Thr (NM_001318756.1); c.2080G>A (NM_178452.4); short protein forms A458T, A694T.
Identifiers: ClinVar variation 1044304 (VCV001044304.10), dbSNP rs376164700, ClinGen allele CA8203158.

ClinVar aggregate classification (germline): Conflicting classifications of pathogenicity. Review status: criteria provided, conflicting classifications (1 of 4 stars). 2 submissions from 2 submitters: Uncertain significance (1); Likely benign (1). Last evaluated 2024-10-16.

Conditions:
Primary ciliary dyskinesia. Also called: Ciliary dyskinesia. Identifiers: Orphanet 244, MedGen C0008780, MONDO:0016575, HP:0012265.

Allele frequency attached by ClinVar (database versions not stated): ExAC 0.00002; TOPMed 0.00005; gnomAD 0.00006 and 0.00007; ESP Exome Variant Server 0.00008.
gnomAD v4.1: 35 of 1,613,602 alleles (0.0022%); highest among the groups gnomAD compares: Middle Eastern, 0.016%; no homozygotes.

Submissions (2):

Labcorp Genetics (formerly Invitae), Labcorp
Classification: Uncertain significance for Primary ciliary dyskinesia. Last evaluated: 2024-10-16. Review status: criteria provided, single submitter. Criteria: Invitae Variant Classification Sherloc (09022015). Collection method: clinical testing. Allele origin: germline.
Comment: This sequence change replaces alanine, which is neutral and non-polar, with threonine, which is neutral and polar, at codon 694 of the DNAAF1 protein (p.Ala694Thr). This variant is present in population databases (rs376164700, gnomAD 0.03%). This variant has not been reported in the literature in individuals affected with DNAAF1-related conditions. ClinVar contains an entry for this variant (Variation ID: 1044304). An algorithm developed to predict the effect of missense changes on protein structure and function outputs the following: PolyPhen-2: "Benign". The threonine amino acid residue is found in multiple mammalian species, which suggests that this missense change does not adversely affect protein function. In summary, the available evidence is currently insufficient to determine the role of this variant in disease. Therefore, it has been classified as a Variant of Uncertain Significance.

Ambry Genetics
Classification: Likely benign for Primary ciliary dyskinesia. Last evaluated: 2024-07-03. Review status: criteria provided, single submitter. Criteria: Ambry Variant Classification Scheme 2023. Collection method: clinical testing. Allele origin: germline.